The following is an entry in ClinVar:

ClinVar aggregate classification (germline): Uncertain significance (1 of 4 stars; one submission).

Conditions:
MHC class I deficiency. Identifiers: Orphanet 34592, MedGen C6024714, MONDO:0011476.

Allele frequency attached by ClinVar (database versions not stated): gnomAD exomes 0.00001 and below 0.00001; ExAC 0.00001; gnomAD 0.00003; TOPMed 0.00006.
gnomAD v4.1: 20 of 1,612,828 alleles (0.0012%); highest among the groups gnomAD compares: African/African-American, 0.016%; no homozygotes.

Submission:

Labcorp Genetics (formerly Invitae), Labcorp
Classification: Uncertain significance for MHC class I deficiency 1. Last evaluated: 2022-11-01. Review status: criteria provided, single submitter. Criteria: Invitae Variant Classification Sherloc (09022015). Collection method: clinical testing. Allele origin: germline.
Comment: This sequence change replaces aspartic acid, which is acidic and polar, with glycine, which is neutral and non-polar, at codon 401 of the TAP2 protein (p.Asp401Gly). This variant is present in population databases (rs756805544, gnomAD 0.009%). This variant has not been reported in the literature in individuals affected with TAP2-related conditions. ClinVar contains an entry for this variant (Variation ID: 1399110). Algorithms developed to predict the effect of missense changes on protein structure and function are either unavailable or do not agree on the potential impact of this missense change (SIFT: "Tolerated"; PolyPhen-2: "Not Available"; Align-GVGD: "Class C0"). In summary, the available evidence is currently insufficient to determine the role of this variant in disease. Therefore, it has been classified as a Variant of Uncertain Significance.

NM_001290043.2(TAP2):c.1202A>G (p.Asp401Gly)

Gene: TAP2 (transporter 2, ATP binding cassette subfamily B member; minus strand). Cytogenetic location: 6p21.32.
Variant type: single nucleotide variant.
Coding change: c.1202A>G on transcript NM_001290043.2 (MANE Select); coding-DNA position 1202, A replaced by G.
Protein change: p.Asp401Gly; replaces aspartic acid 401 with glycine.
Molecular consequence: missense variant.
Genome position (GRCh38, 1-based): chr6:32,832,403, T>C on the plus strand (A>G on the coding strand, the complement: TAP2 is on the minus strand). VCF-style: chr6-32832403-T-C. GRCh37 (hg19) VCF-style: chr6-32800180-T-C.
Other names: c.1202A>G, p.Asp401Gly (NM_000544.3, NM_018833.3); short protein forms D401G.
Identifiers: ClinVar variation 1399110 (VCV001399110.3), dbSNP rs756805544, ClinGen allele CA3745968.